The following is an entry in ClinVar:

NM_001040108.2(MLH3):c.157C>T (p.Gln53Ter)

Gene: MLH3 (mutL homolog 3; minus strand). Cytogenetic location: 14q24.3.
Variant type: single nucleotide variant.
Coding change: c.157C>T on transcript NM_001040108.2 (MANE Select); coding-DNA position 157, C replaced by T.
Protein change: p.Gln53Ter; replaces glutamine 53 with a stop codon.
Molecular consequence: nonsense.
Genome position (GRCh38, 1-based): chr14:75,049,499, G>A on the plus strand (C>T on the coding strand, the complement: MLH3 is on the minus strand). VCF-style: chr14-75049499-G-A. GRCh37 (hg19) VCF-style: chr14-75516202-G-A.
Other names: c.157C>T, p.Gln53Ter (NM_014381.3); short protein forms Q53*.
Identifiers: ClinVar variation 4856763 (VCV004856763.1).

ClinVar aggregate classification (germline): Pathogenic (1 of 4 stars; one submission).

Conditions:
Colorectal cancer, hereditary nonpolyposis, type 7. Identifiers: Orphanet 144, MedGen C1858380, MONDO:0013725, OMIM 614385.

Submission:

Myriad Genetics, Inc.
Classification: Pathogenic for Colorectal cancer, hereditary nonpolyposis, type 7. Last evaluated: 2026-03-18. Review status: criteria provided, single submitter. Criteria: Myriad Autosomal Dominant, Autosomal Recessive and X-Linked Classification Criteria (2023). Collection method: clinical testing. Allele origin: unknown.
Comment: This variant is considered pathogenic. This variant creates a termination codon and is predicted to result in premature protein truncation.